The following is an entry in ClinVar:

NM_000257.4(MYH7):c.2922G>T (p.Lys974Asn)

Gene: MYH7 (myosin heavy chain 7; minus strand). Cytogenetic location: 14q11.2.
Variant type: single nucleotide variant.
Coding change: c.2922G>T on transcript NM_000257.4 (MANE Select); coding-DNA position 2922, G replaced by T.
Protein change: p.Lys974Asn; replaces lysine 974 with asparagine.
Molecular consequence: missense variant.
Genome position (GRCh38, 1-based): chr14:23,423,907, C>A on the plus strand (G>T on the coding strand, the complement: MYH7 is on the minus strand). VCF-style: chr14-23423907-C-A. GRCh37 (hg19) VCF-style: chr14-23893116-C-A.
Other names: c.2922G>T, p.Lys974Asn (NM_001407004.1); short protein forms K974N.
Identifiers: ClinVar variation 2822975 (VCV002822975.3), dbSNP rs147727900, ClinGen allele CA389046573.

ClinVar aggregate classification (germline): Uncertain significance (1 of 4 stars; one submission).

Conditions:
Hypertrophic cardiomyopathy. Also called: HYPERTROPHIC MYOCARDIOPATHY. Identifiers: Orphanet 217569, MedGen C0007194, MeSH D002312, MONDO:0005045, HP:0001639.

Submission:

Labcorp Genetics (formerly Invitae), Labcorp
Classification: Uncertain significance for Hypertrophic cardiomyopathy. Last evaluated: 2023-04-22. Review status: criteria provided, single submitter. Criteria: Invitae Variant Classification Sherloc (09022015). Collection method: clinical testing. Allele origin: germline.
Comment: This variant has not been reported in the literature in individuals affected with MYH7-related conditions. This variant is not present in population databases (gnomAD no frequency). This sequence change replaces lysine, which is basic and polar, with asparagine, which is neutral and polar, at codon 974 of the MYH7 protein (p.Lys974Asn). This variant also falls at the last nucleotide of exon 23, which is part of the consensus splice site for this exon. An algorithm developed to predict the effect of missense changes on protein structure and function (PolyPhen-2) suggests that this variant is likely to be disruptive. In summary, the available evidence is currently insufficient to determine the role of this variant in disease. Therefore, it has been classified as a Variant of Uncertain Significance. Variants that disrupt the consensus splice site are a relatively common cause of aberrant splicing (PMID: 17576681, 9536098). Algorithms developed to predict the effect of sequence changes on RNA splicing suggest that this variant may disrupt the consensus splice site.

Literature cited by the submitters: PubMed 17576681; PubMed 9536098.